The following is an entry in ClinVar:

NM_022552.5(DNMT3A):c.1811G>C (p.Arg604Pro)

Gene: DNMT3A (DNA methyltransferase 3 alpha; minus strand). Cytogenetic location: 2p23.3.
Variant type: single nucleotide variant.
Coding change: c.1811G>C on transcript NM_022552.5 (MANE Select); coding-DNA position 1811, G replaced by C.
Protein change: p.Arg604Pro; replaces arginine 604 with proline.
Molecular consequence: missense variant. On other transcripts: non-coding transcript variant (1).
Genome position (GRCh38, 1-based): chr2:25,244,195, C>G on the plus strand (G>C on the coding strand, the complement: DNMT3A is on the minus strand). VCF-style: chr2-25244195-C-G. GRCh37 (hg19) VCF-style: chr2-25467064-C-G.
Other names: c.1355G>C, p.Arg452Pro (NM_001320893.1); c.1142G>C, p.Arg381Pro (NM_001375819.1); c.1244G>C, p.Arg415Pro (NM_153759.3); c.1811G>C, p.Arg604Pro (NM_175629.2); short protein forms R381P, R415P, R452P, R604P.
Identifiers: ClinVar variation 4617774 (VCV004617774.1).

ClinVar aggregate classification (germline): Uncertain significance (1 of 4 stars; one submission).

Conditions:
Inborn genetic diseases. Identifiers: MedGen C0950123, MeSH D030342.

Submission:

Ambry Genetics
Classification: Uncertain significance for Inborn genetic diseases. Last evaluated: 2025-11-05. Review status: criteria provided, single submitter. Criteria: Ambry Variant Classification Scheme 2023. Collection method: clinical testing. Allele origin: germline.
Comment: The p.R604P variant (also known as c.1811G>C), located in coding exon 14 of the DNMT3A gene, results from a G to C substitution at nucleotide position 1811. The arginine at codon 604 is replaced by proline, an amino acid with dissimilar properties. This amino acid position is conserved. In addition, this alteration is predicted to be deleterious by in silico analysis. Based on the available evidence, the clinical significance of this variant remains unclear.